The following is an entry in ClinVar:

ClinVar aggregate classification (germline): Conflicting classifications of pathogenicity. Review status: criteria provided, conflicting classifications (1 of 4 stars). 8 submissions from 7 submitters: Uncertain significance (4); Likely benign (4). Last evaluated 2026-06-16.

Conditions:
Waardenburg syndrome type 2A (WS2A). Also called: WAARDENBURG SYNDROME WITHOUT DYSTOPIA CANTHORUM. Identifiers: Orphanet 3440, MedGen C1860339, MONDO:0008671, OMIM 193510.
MITF-related disorder. Also called: MITF-related condition.
Melanoma, cutaneous malignant, susceptibility to, 8. Also called: MELANOMA AND RENAL CELL CARCINOMA, SUSCEPTIBILITY TO; Cutaneous malignant melanoma 8. Identifiers: Orphanet 293822, MedGen C3152204, MONDO:0013759, OMIM 614456.
Coloboma, osteopetrosis, microphthalmia, macrocephaly, albinism, and deafness (COMMAD). Also called: COMMAD syndrome. Identifiers: Orphanet 603494, MedGen C4310625, MONDO:0015014, OMIM 617306.
Tietz syndrome (TADS). Also called: ALBINISM-DEAFNESS OF TIETZ; HYPOPIGMENTATION/DEAFNESS OF TIETZ; TIETZ ALBINISM-DEAFNESS SYNDROME. Identifiers: Orphanet 42665, MedGen C0391816, MONDO:0007077, OMIM 103500.
Hereditary cancer-predisposing syndrome. Also called: Hereditary neoplastic syndrome; Neoplastic Syndromes, Hereditary; Hereditary Cancer Syndrome; Tumor predisposition. Identifiers: Orphanet 140162, MedGen C0027672, MeSH D009386, MONDO:0015356.

Allele frequency attached by ClinVar (database versions not stated): gnomAD exomes 0.00004 and 0.00007; TOPMed 0.00005; ExAC 0.00006; gnomAD 0.00007.
gnomAD v4.1: 80 of 1,613,978 alleles (0.005%); highest among the groups gnomAD compares: Non-Finnish European, 0.0014%; no homozygotes.

Submissions (8):

PreventionGenetics, part of Exact Sciences
Classification: Likely benign for MITF-related condition. Last evaluated: 2026-06-16. Review status: criteria provided, single submitter. Criteria: ACMG Guidelines, 2015. Collection method: clinical testing. Allele origin: germline.
Comment: This variant is classified as likely benign based on ACMG/AMP sequence variant interpretation guidelines (Richards et al. 2015 PMID: 25741868, with internal and published modifications).

Labcorp Genetics (formerly Invitae), Labcorp
Classification: Likely benign for Melanoma, cutaneous malignant, susceptibility to, 8; Waardenburg syndrome type 2A; Tietz syndrome. Last evaluated: 2026-02-03. Review status: criteria provided, single submitter. Criteria: Invitae Variant Classification Sherloc (09022015). Collection method: clinical testing. Allele origin: germline.

GeneDx
Classification: Uncertain significance. Last evaluated: 2024-03-08. Review status: criteria provided, single submitter. Criteria: GeneDx Variant Classification Process June 2021. Collection method: clinical testing. Allele origin: germline. Affected: yes.
Comment: In silico analysis supports that this missense variant does not alter protein structure/function; Has not been previously published as pathogenic or benign to our knowledge

Fulgent Genetics
Classification: Uncertain significance for Tietz syndrome; Waardenburg syndrome type 2A; Melanoma, cutaneous malignant, susceptibility to, 8; Coloboma, osteopetrosis, microphthalmia, macrocephaly, albinism, and deafness. Last evaluated: 2024-02-08. Review status: criteria provided, single submitter. Criteria: ACMG Guidelines, 2015. Collection method: clinical testing. Allele origin: germline.

Blueprint Genetics
Classification: Uncertain significance. Last evaluated: 2021-10-15. Review status: criteria provided, single submitter. Criteria: ACMG Guidelines, 2015. Collection method: clinical testing. Allele origin: germline.

Sema4
Classification: Likely benign for Hereditary cancer-predisposing syndrome. Last evaluated: 2020-11-09. Review status: criteria provided, single submitter. Criteria: Sema4 Curation Guidelines. Collection method: curation. Allele origin: germline.

Illumina Laboratory Services, Illumina
Classification: Likely benign for Tietz syndrome. Last evaluated: 2018-01-12. Review status: criteria provided, single submitter. Criteria: ICSL Variant Classification Criteria 13 December 2019. Collection method: clinical testing. Allele origin: germline.
Comment: This variant was observed in the ICSL laboratory as part of a predisposition screen in an ostensibly healthy population. It had not been previously curated by ICSL or reported in the Human Gene Mutation Database (HGMD: prior to June 1st, 2018), and was therefore a candidate for classification through an automated scoring system. Utilizing variant allele frequency, disease prevalence and penetrance estimates, and inheritance mode, an automated score was calculated to assess if this variant is too frequent to cause the disease. Based on the score and internal cut-off values, a variant classified as likely benign is not then subjected to further curation. The score for this variant resulted in a classification of likely benign for this disease.

Illumina Laboratory Services, Illumina
Classification: Uncertain significance for Waardenburg syndrome type 2A. Last evaluated: 2018-01-12. Review status: criteria provided, single submitter. Criteria: ICSL Variant Classification Criteria 13 December 2019. Collection method: clinical testing. Allele origin: germline.

NM_001354604.2(MITF):c.644A>T (p.His215Leu)

Gene: MITF (melanocyte inducing transcription factor; plus strand). Cytogenetic location: 3p13.
Variant type: single nucleotide variant.
Coding change: c.644A>T on transcript NM_001354604.2 (MANE Select); coding-DNA position 644, A replaced by T.
Protein change: p.His215Leu; replaces histidine 215 with leucine.
Molecular consequence: missense variant.
Genome position (GRCh38, 1-based): chr3:69,939,159, A>T. VCF-style: chr3-69939159-A-T. GRCh37 (hg19) VCF-style: chr3-69988310-A-T.
Other names: c.323A>T, p.His108Leu (NM_000248.4, NM_198158.3); c.488A>T, p.His163Leu (NM_001184967.2, NM_001354608.2); c.641A>T, p.His214Leu (NM_001354605.2, NM_001354606.2, NM_006722.3); c.593A>T, p.His198Leu (NM_001354607.2); c.644A>T, p.His215Leu (NM_198159.3); c.596A>T, p.His199Leu (NM_198177.3); c.155A>T, p.His52Leu (NM_198178.3); short protein forms H108L, H215L, H199L, H214L, H52L, H163L, H198L.
Identifiers: ClinVar variation 346495 (VCV000346495.19), dbSNP rs761038653, ClinGen allele CA2490409.